The following is an entry in ClinVar:

NM_000548.5(TSC2):c.2457C>T (p.Ile819=)

Gene: TSC2 (TSC complex subunit 2; plus strand). Cytogenetic location: 16p13.3.
Variant type: single nucleotide variant.
Coding change: c.2457C>T on transcript NM_000548.5 (MANE Select); coding-DNA position 2457, C replaced by T.
Protein change: p.Ile819=; no amino-acid change (isoleucine 819 retained).
Molecular consequence: synonymous variant.
Genome position (GRCh38, 1-based): chr16:2,074,301, C>T. VCF-style: chr16-2074301-C-T. GRCh37 (hg19) VCF-style: chr16-2124302-C-T.
Other names: c.2457C>T (NM_000548.4); c.2457C>T, p.Ile819= (NM_001077183.3, NM_001114382.3, NM_001363528.2 and 3 more transcripts); c.2346C>T, p.Ile782= (NM_001318827.2); c.2310C>T, p.Ile770= (NM_001318829.2); c.1857C>T, p.Ile619= (NM_001318831.2); c.2490C>T, p.Ile830= (NM_001318832.2).
Identifiers: ClinVar variation 467944 (VCV000467944.21), dbSNP rs753410949, ClinGen allele CA039088.
Genomic context (GRCh38, chr16:2,074,301, plus strand): 5'-CTGTGCCAGCCAGTGCGTCGTGGCCTTGTCCATCTGCAGCGTGGAGATGCCTGACATCAT[C>T]ATCAAGGCGCTGCCTGTTCTGGTGGTGAAGCTCACGCACATCTCAGCCACAGCCAGCATG-3'
Protein context (NP_000539.2, residues 809-829): SICSVEMPDI[Ile819=]IKALPVLVVK

ClinVar aggregate classification (germline): Benign/Likely benign. Review status: criteria provided, multiple submitters, no conflicts (2 of 4 stars). 6 submissions from 6 submitters: Benign (3); Likely benign (3). Last evaluated 2026-06-04.

Conditions:
TSC2-related disorder. Also called: TSC2-Related Disorders; TSC2-related condition.
Hereditary cancer-predisposing syndrome. Also called: Tumor predisposition; Hereditary neoplastic syndrome; Neoplastic Syndromes, Hereditary; Hereditary Cancer Syndrome. Identifiers: Orphanet 140162, MedGen C0027672, MeSH D009386, MONDO:0015356.
Tuberous sclerosis 2 (TSC2). Identifiers: Orphanet 805, MedGen C1860707, MONDO:0013199, OMIM 613254.

Allele frequency attached by ClinVar (database versions not stated): ExAC 0.00002; gnomAD 0.00002; gnomAD exomes 0.00002 and 0.00003; TOPMed 0.00002.
gnomAD v4.1: 34 of 1,613,114 alleles (0.0021%); highest among the groups gnomAD compares: Admixed American, 0.005%; no homozygotes.

Submissions (6):

PreventionGenetics, part of Exact Sciences
Classification: Likely benign for TSC2-related condition. Last evaluated: 2026-06-04. Review status: criteria provided, single submitter. Criteria: ACMG Guidelines, 2015. Collection method: clinical testing. Allele origin: germline.
Comment: This variant is classified as likely benign based on ACMG/AMP sequence variant interpretation guidelines (Richards et al. 2015 PMID: 25741868, with internal and published modifications).

Labcorp Genetics (formerly Invitae), Labcorp
Classification: Benign for Tuberous sclerosis 2. Last evaluated: 2025-12-22. Review status: criteria provided, single submitter. Criteria: Invitae Variant Classification Sherloc (09022015). Collection method: clinical testing. Allele origin: germline.

Myriad Genetics, Inc.
Classification: Benign for Tuberous sclerosis 2. Last evaluated: 2025-05-20. Review status: criteria provided, single submitter. Criteria: Myriad Autosomal Dominant, Autosomal Recessive and X-Linked Classification Criteria (2023). Collection method: clinical testing. Allele origin: unknown.
Comment: This variant is considered benign. This variant is a silent/synonymous amino acid change and it is not expected to impact splicing.

Genome-Nilou Lab
Classification: Benign for Tuberous sclerosis 2. Last evaluated: 2021-11-07. Review status: criteria provided, single submitter. Criteria: ACMG Guidelines, 2015. Collection method: clinical testing. Allele origin: germline. Affected: no.

GeneDx
Classification: Likely benign. Last evaluated: 2018-07-11. Review status: criteria provided, single submitter. Criteria: GeneDx Variant Classification Process June 2021. Collection method: clinical testing. Allele origin: germline. Affected: yes.

Ambry Genetics
Classification: Likely benign for Hereditary cancer-predisposing syndrome. Last evaluated: 2015-03-12. Review status: criteria provided, single submitter. Criteria: Ambry Variant Classification Scheme 2023. Collection method: clinical testing. Allele origin: germline.